The following is an entry in ClinVar:

NM_002103.5(GYS1):c.2207G>A (p.Arg736His)

Gene: GYS1 (glycogen synthase 1; minus strand). Cytogenetic location: 19q13.33.
Variant type: single nucleotide variant.
Coding change: c.2207G>A on transcript NM_002103.5 (MANE Select); coding-DNA position 2207, G replaced by A.
Protein change: p.Arg736His; replaces arginine 736 with histidine.
Molecular consequence: missense variant. On other transcripts: non-coding transcript variant (1).
Genome position (GRCh38, 1-based): chr19:48,969,295, C>T on the plus strand (G>A on the coding strand, the complement: GYS1 is on the minus strand). VCF-style: chr19-48969295-C-T. GRCh37 (hg19) VCF-style: chr19-49472552-C-T.
Other names: c.2015G>A, p.Arg672His (NM_001161587.2); short protein forms R736H, R672H.
Identifiers: ClinVar variation 329804 (VCV000329804.12), dbSNP rs367919986, ClinGen allele CA9562690.
Genomic context (GRCh38, chr19:48,969,295, plus strand): 5'-TCCTCTCTCTGGAGCAGAGAGGCAGGACAGGCGGGGAGTGTGGTGGGGCGGACTTAGTTA[C>T]GCTCCTCGCCCAGGGAGCTGGTGGGGCTGAGGGGCTCGCTCGGGGTGCTGAGTGAGCTGG-3'
Protein context (NP_002094.2, residues 726-737): LSPTSSLGEE[Arg736His]N

ClinVar aggregate classification (germline): Uncertain significance. Review status: criteria provided, multiple submitters, no conflicts (2 of 4 stars). 4 submissions from 4 submitters: Uncertain significance (3). 1 of the submissions does not count toward it. Last evaluated 2024-05-09.

Conditions:
GYS1-related disorder. Also called: GYS1-related condition.
Glycogen storage disease due to muscle and heart glycogen synthase deficiency. Also called: GSD 0b; MUSCLE GLYCOGEN SYNTHASE DEFICIENCY. Identifiers: Orphanet 137625, MedGen C1969054, MONDO:0012693, OMIM 611556.

Allele frequency attached by ClinVar (database versions not stated): gnomAD 0.00003 and 0.00004; gnomAD exomes 0.00003; ExAC 0.00005; TOPMed 0.00008.
gnomAD v4.1: 68 of 1,552,914 alleles (0.0044%); highest among the groups gnomAD compares: East Asian, 0.017%; 2 homozygotes.

Submissions (4):

Fulgent Genetics
Classification: Uncertain significance for Glycogen storage disease due to muscle and heart glycogen synthase deficiency. Last evaluated: 2024-05-09. Review status: criteria provided, single submitter. Criteria: ACMG Guidelines, 2015. Collection method: clinical testing. Allele origin: germline.

Blueprint Genetics
Classification: Uncertain significance. Last evaluated: 2024-02-29. Review status: criteria provided, single submitter. Criteria: ACMG Guidelines, 2015. Collection method: clinical testing. Allele origin: germline.

Labcorp Genetics (formerly Invitae), Labcorp
Classification: Uncertain significance for Glycogen storage disease due to muscle and heart glycogen synthase deficiency. Last evaluated: 2022-08-31. Review status: criteria provided, single submitter. Criteria: Invitae Variant Classification Sherloc (09022015). Collection method: clinical testing. Allele origin: germline.
Comment: This sequence change replaces arginine, which is basic and polar, with histidine, which is basic and polar, at codon 736 of the GYS1 protein (p.Arg736His). The frequency data for this variant in the population databases is considered unreliable, as metrics indicate poor data quality at this position in the gnomAD database. This variant has not been reported in the literature in individuals affected with GYS1-related conditions. ClinVar contains an entry for this variant (Variation ID: 329804). Algorithms developed to predict the effect of missense changes on protein structure and function are either unavailable or do not agree on the potential impact of this missense change (SIFT: "Deleterious"; PolyPhen-2: "Not Available"; Align-GVGD: "Class C0"). In summary, the available evidence is currently insufficient to determine the role of this variant in disease. Therefore, it has been classified as a Variant of Uncertain Significance.

PreventionGenetics, part of Exact Sciences
Classification: Uncertain significance for GYS1-related condition. Last evaluated: 2024-05-02. Review status: no assertion criteria provided. Collection method: clinical testing. Allele origin: germline. Not counted in ClinVar's aggregate classification.
Comment: The GYS1 c.2207G>A variant is predicted to result in the amino acid substitution p.Arg736His. To our knowledge, this variant has not been reported in the literature. This variant is reported in 0.034% of alleles in individuals of East Asian descent in gnomAD. At this time, the clinical significance of this variant is uncertain due to the absence of conclusive functional and genetic evidence.